The following is an entry in ClinVar:

NM_032776.3(JMJD1C):c.4497C>T (p.Ala1499=)

Gene: JMJD1C (jumonji domain containing 1C; minus strand). Cytogenetic location: 10q21.3.
Variant type: single nucleotide variant.
Coding change: c.4497C>T on transcript NM_032776.3 (MANE Select); coding-DNA position 4497, C replaced by T.
Protein change: p.Ala1499=; no amino-acid change (alanine 1499 retained).
Molecular consequence: synonymous variant. On other transcripts: non-coding transcript variant (1).
Genome position (GRCh38, 1-based): chr10:63,207,172, G>A on the plus strand (C>T on the coding strand, the complement: JMJD1C is on the minus strand). VCF-style: chr10-63207172-G-A. GRCh37 (hg19) VCF-style: chr10-64966932-G-A.
Other names: c.3951C>T, p.Ala1317= (NM_001282948.2, NM_001318154.2); c.3633C>T, p.Ala1211= (NM_001318153.2); c.4383C>T, p.Ala1461= (NM_001322252.2); c.3840C>T, p.Ala1280= (NM_001322254.2, NM_001322258.2).
Identifiers: ClinVar variation 791630 (VCV000791630.20), dbSNP rs201686311, ClinGen allele CA5518258.

ClinVar aggregate classification (germline): Likely benign. Review status: criteria provided, multiple submitters, no conflicts (2 of 4 stars). 2 submissions from 2 submitters: Likely benign (2). Last evaluated 2026-01-19.

Conditions:
Early Myoclonic Encephalopathy. Identifiers: MedGen C0270855.

Allele frequency attached by ClinVar (database versions not stated): TOPMed 0.00012; gnomAD 0.00016; ESP Exome Variant Server 0.00017.
gnomAD v4.1: 226 of 1,613,968 alleles (0.014%); highest among the groups gnomAD compares: Non-Finnish European, 0.0086%; no homozygotes.

Submissions (2):

Labcorp Genetics (formerly Invitae), Labcorp
Classification: Likely benign for Early Myoclonic Encephalopathy. Last evaluated: 2026-01-19. Review status: criteria provided, single submitter. Criteria: Invitae Variant Classification Sherloc (09022015). Collection method: clinical testing. Allele origin: germline.

CeGaT Center for Human Genetics Tuebingen
Classification: Likely benign. Last evaluated: 2025-05-01. Review status: criteria provided, single submitter. Criteria: CeGaT Center For Human Genetics Tuebingen Variant Classification Criteria Version 2. Collection method: clinical testing. Allele origin: germline. Affected: yes. Observed: 1 variant allele.
Comment: JMJD1C: BP4, BP7